The following is an entry in ClinVar:

NM_001379081.2(FREM1):c.4168A>G (p.Met1390Val)

Gene: FREM1 (FRAS1 related extracellular matrix 1; minus strand). Cytogenetic location: 9p22.3.
Variant type: single nucleotide variant.
Coding change: c.4168A>G on transcript NM_001379081.2 (MANE Select); coding-DNA position 4168, A replaced by G.
Protein change: p.Met1390Val; replaces methionine 1390 with valine.
Molecular consequence: missense variant. On other transcripts: non-coding transcript variant (1).
Genome position (GRCh38, 1-based): chr9:14,788,928, T>C on the plus strand (A>G on the coding strand, the complement: FREM1 is on the minus strand). VCF-style: chr9-14788928-T-C. GRCh37 (hg19) VCF-style: chr9-14788926-T-C.
Other names: c.4168A>G, p.Met1390Val (NM_144966.7); short protein forms M1390V.
Identifiers: ClinVar variation 2191627 (VCV002191627.4), dbSNP rs964799792, ClinGen allele CA189364816.

ClinVar aggregate classification (germline): Uncertain significance (1 of 4 stars; one submission).

Allele frequency attached by ClinVar (database versions not stated): gnomAD exomes 0.00001.

Submission:

Labcorp Genetics (formerly Invitae), Labcorp
Classification: Uncertain significance. Last evaluated: 2024-03-12. Review status: criteria provided, single submitter. Criteria: Invitae Variant Classification Sherloc (09022015). Collection method: clinical testing. Allele origin: germline.
Comment: This sequence change replaces methionine, which is neutral and non-polar, with valine, which is neutral and non-polar, at codon 1390 of the FREM1 protein (p.Met1390Val). This variant is not present in population databases (gnomAD no frequency). This variant has not been reported in the literature in individuals affected with FREM1-related conditions. ClinVar contains an entry for this variant (Variation ID: 2191627). An algorithm developed to predict the effect of missense changes on protein structure and function (PolyPhen-2) suggests that this variant is likely to be tolerated. In summary, the available evidence is currently insufficient to determine the role of this variant in disease. Therefore, it has been classified as a Variant of Uncertain Significance.